The following is an entry in ClinVar:

NM_003072.5(SMARCA4):c.3127C>A (p.Arg1043=)

Gene: SMARCA4 (SWI/SNF related BAF chromatin remodeling complex subunit ATPase 4; plus strand). Cytogenetic location: 19p13.2.
Variant type: single nucleotide variant.
Coding change: c.3127C>A on transcript NM_003072.5 (MANE Select); coding-DNA position 3127, C replaced by A.
Protein change: p.Arg1043=; no amino-acid change (arginine 1043 retained).
Molecular consequence: synonymous variant. On other transcripts: non-coding transcript variant (1).
Genome position (GRCh38, 1-based): chr19:11,025,467, C>A. VCF-style: chr19-11025467-C-A. GRCh37 (hg19) VCF-style: chr19-11136143-C-A.
Other names: c.3127C>A, p.Arg1043= (NM_001128844.3, NM_001128845.2, NM_001128846.2 and 5 more transcripts); c.3127C>A (NM_001128849.1).
Identifiers: ClinVar variation 1159756 (VCV001159756.12), dbSNP rs770014321, ClinGen allele CA9204325.
Genomic context (GRCh38, chr19:11,025,467, plus strand): 5'-TCATCTGCCTTCCAGGGCAAAGGCGGCACCAAGACCCTGATGAACACCATCATGCAGCTG[C>A]GGAAGATCTGCAACCACCCCTACATGTTCCAGCACATCGAGGTGAGCCCGCCGCGGCTGG-3'
Protein context (NP_003063.2, residues 1033-1053): KTLMNTIMQL[Arg1043=]KICNHPYMFQ

ClinVar aggregate classification (germline): Likely benign. Review status: criteria provided, multiple submitters, no conflicts (2 of 4 stars). 3 submissions from 3 submitters: Likely benign (2). 1 of the submissions does not count toward it. Last evaluated 2025-04-21.

Conditions:
Hereditary cancer-predisposing syndrome. Also called: Tumor predisposition; Neoplastic Syndromes, Hereditary; Hereditary Cancer Syndrome; Hereditary neoplastic syndrome. Identifiers: Orphanet 140162, MedGen C0027672, MeSH D009386, MONDO:0015356.
Rhabdoid tumor predisposition syndrome 2 (RTPS2). Identifiers: Orphanet 231108, Orphanet 69077, MedGen C2750074, MONDO:0013224, OMIM 613325.
SMARCA4-related disorder. Also called: SMARCA4-related condition.

Allele frequency attached by ClinVar (database versions not stated): gnomAD exomes below 0.00001 and 0.00001; ExAC 0.00001.
gnomAD v4.1: 4 of 1,613,388 alleles (0.00025%); no homozygotes.

Submissions (3):

Labcorp Genetics (formerly Invitae), Labcorp
Classification: Likely benign for Rhabdoid tumor predisposition syndrome 2. Last evaluated: 2025-04-21. Review status: criteria provided, single submitter. Criteria: Invitae Variant Classification Sherloc (09022015). Collection method: clinical testing. Allele origin: germline.

Ambry Genetics
Classification: Likely benign for Hereditary cancer-predisposing syndrome. Last evaluated: 2024-11-14. Review status: criteria provided, single submitter. Criteria: Ambry Variant Classification Scheme 2023. Collection method: clinical testing. Allele origin: germline.

PreventionGenetics, part of Exact Sciences
Classification: Likely benign for SMARCA4-related condition. Last evaluated: 2024-02-22. Review status: no assertion criteria provided. Collection method: clinical testing. Allele origin: germline. Not counted in ClinVar's aggregate classification.
Comment: This variant is classified as likely benign based on ACMG/AMP sequence variant interpretation guidelines (Richards et al. 2015 PMID: 25741868, with internal and published modifications).